The following is an entry in ClinVar:

ClinVar aggregate classification (germline): Uncertain significance. Review status: criteria provided, multiple submitters, no conflicts (2 of 4 stars). 2 submissions from 2 submitters: Uncertain significance (2). Last evaluated 2024-11-04.

Conditions:
Hereditary cancer-predisposing syndrome. Also called: Tumor predisposition; Hereditary neoplastic syndrome; Neoplastic Syndromes, Hereditary; Hereditary Cancer Syndrome. Identifiers: Orphanet 140162, MedGen C0027672, MeSH D009386, MONDO:0015356.
Breast-ovarian cancer, familial, susceptibility to, 4. Identifiers: Orphanet 145, MedGen C3280345, MONDO:0013669, OMIM 614291.

Allele frequency attached by ClinVar (database versions not stated): gnomAD exomes below 0.00001; gnomAD 0.00001.
gnomAD v4.1: 2 of 1,613,774 alleles (0.00012%); highest among the groups gnomAD compares: African/African-American, 0.0027%; no homozygotes.

Submissions (2):

Ambry Genetics
Classification: Uncertain significance for Hereditary cancer-predisposing syndrome. Last evaluated: 2024-11-04. Review status: criteria provided, single submitter. Criteria: Ambry Variant Classification Scheme 2023. Collection method: clinical testing. Allele origin: germline.
Comment: The p.K42T variant (also known as c.125A>C), located in coding exon 2 of the RAD51D gene, results from an A to C substitution at nucleotide position 125. The lysine at codon 42 is replaced by threonine, an amino acid with similar properties. This amino acid position is conserved. In addition, this alteration is predicted to be tolerated by in silico analysis. Since supporting evidence is limited at this time, the clinical significance of this alteration remains unclear.

Labcorp Genetics (formerly Invitae), Labcorp
Classification: Uncertain significance for Breast-ovarian cancer, familial, susceptibility to, 4. Last evaluated: 2022-12-14. Review status: criteria provided, single submitter. Criteria: Invitae Variant Classification Sherloc (09022015). Collection method: clinical testing. Allele origin: germline.
Comment: This variant has not been reported in the literature in individuals affected with RAD51D-related conditions. This variant is not present in population databases (gnomAD no frequency). This sequence change replaces lysine, which is basic and polar, with threonine, which is neutral and polar, at codon 42 of the RAD51D protein (p.Lys42Thr). ClinVar contains an entry for this variant (Variation ID: 1358185). In summary, the available evidence is currently insufficient to determine the role of this variant in disease. Therefore, it has been classified as a Variant of Uncertain Significance. Algorithms developed to predict the effect of missense changes on protein structure and function (SIFT, PolyPhen-2, Align-GVGD) all suggest that this variant is likely to be tolerated.

NM_002878.4(RAD51D):c.125A>C (p.Lys42Thr)

Genes: RAD51L3-RFFL (RAD51L3-RFFL readthrough; minus strand), RAD51D (RAD51 paralog D; minus strand). Cytogenetic location: 17q12.
Variant type: single nucleotide variant.
Coding change: c.125A>C on transcript NM_002878.4 (MANE Select); coding-DNA position 125, A replaced by C.
Protein change: p.Lys42Thr; replaces lysine 42 with threonine.
Molecular consequence: missense variant. On other transcripts: non-coding transcript variant (2).
Genome position (GRCh38, 1-based): chr17:35,119,130, T>G on the plus strand (A>C on the coding strand, the complement: RAD51D is on the minus strand). VCF-style: chr17-35119130-T-G. GRCh37 (hg19) VCF-style: chr17-33446149-T-G.
Other names: c.125A>C, p.Lys42Thr (NM_001142571.2, NM_133629.3); short protein forms K42T.
Identifiers: ClinVar variation 1358185 (VCV001358185.11), dbSNP rs2091788311, ClinGen allele CA399091836.
Genomic context (GRCh38, chr17:35,119,130, plus strand): 5'-AAAAGACACTCAGGTTTGGAATGTGGAGATCAGGAGCTCACCTTGTAAGACAAGCCACAT[T>G]TCTGAGCTACCTCTTCCAGGTCTGCAGAAACCAGGTCCACCACTGAAAACAAAACACGTA-3'
Protein context (NP_002869.3, residues 32-52): VSADLEEVAQ[Lys42Thr]CGLSYKALVA